The following is an entry in ClinVar:

ClinVar aggregate classification (germline): Uncertain significance (1 of 4 stars; one submission).

Allele frequency attached by ClinVar (database versions not stated): ExAC 0.00001.
gnomAD v4.1: 4 of 1,604,558 alleles (0.00025%); highest among the groups gnomAD compares: Non-Finnish European, 0.00034%; no homozygotes.

Submission:

Labcorp Genetics (formerly Invitae), Labcorp
Classification: Uncertain significance. Last evaluated: 2022-06-10. Review status: criteria provided, single submitter. Criteria: Invitae Variant Classification Sherloc (09022015). Collection method: clinical testing. Allele origin: germline.
Comment: In summary, the available evidence is currently insufficient to determine the role of this variant in disease. Therefore, it has been classified as a Variant of Uncertain Significance. Algorithms developed to predict the effect of missense changes on protein structure and function (SIFT, PolyPhen-2, Align-GVGD) all suggest that this variant is likely to be disruptive. This variant has not been reported in the literature in individuals affected with VAC14-related conditions. The frequency data for this variant in the population databases is considered unreliable, as metrics indicate poor data quality at this position in the gnomAD database. This sequence change replaces arginine, which is basic and polar, with tryptophan, which is neutral and slightly polar, at codon 716 of the VAC14 protein (p.Arg716Trp).

NM_018052.5(VAC14):c.2146C>T (p.Arg716Trp)

Gene: VAC14 (VAC14 component of PIKFYVE complex; minus strand). Cytogenetic location: 16q22.1.
Variant type: single nucleotide variant.
Coding change: c.2146C>T on transcript NM_018052.5 (MANE Select); coding-DNA position 2146, C replaced by T.
Protein change: p.Arg716Trp; replaces arginine 716 with tryptophan.
Molecular consequence: missense variant.
Genome position (GRCh38, 1-based): chr16:70,692,861, G>A on the plus strand (C>T on the coding strand, the complement: VAC14 is on the minus strand). VCF-style: chr16-70692861-G-A. GRCh37 (hg19) VCF-style: chr16-70726764-G-A.
Other names: c.1444C>T, p.Arg482Trp (NM_001351157.2); short protein forms R482W, R716W.
Identifiers: ClinVar variation 1934823 (VCV001934823.5), dbSNP rs766981903, ClinGen allele CA8147391.